The following is an entry in ClinVar:

NM_000384.3(APOB):c.10478A>C (p.Glu3493Ala)

Gene: APOB (apolipoprotein B; minus strand). Cytogenetic location: 2p24.1.
Variant type: single nucleotide variant.
Coding change: c.10478A>C on transcript NM_000384.3 (MANE Select); coding-DNA position 10478, A replaced by C.
Protein change: p.Glu3493Ala; replaces glutamic acid 3493 with alanine.
Molecular consequence: missense variant.
Genome position (GRCh38, 1-based): chr2:21,006,390, T>G on the plus strand (A>C on the coding strand, the complement: APOB is on the minus strand). VCF-style: chr2-21006390-T-G. GRCh37 (hg19) VCF-style: chr2-21229262-T-G.
Other names: short protein forms E3493A.
Identifiers: ClinVar variation 4813127 (VCV004813127.1).

ClinVar aggregate classification (germline): Uncertain significance (1 of 4 stars; one submission).

Conditions:
Familial hypercholesterolemia. Also called: Familial hypercholesterolaemia. Identifiers: MedGen C0020445, MONDO:0005439.

Submission:

Genetics Laboratory, Great Ormond Street Hospital NHS Foundation Trust, North Thames Genomic Laboratory Hub
Classification: Uncertain significance for Familial hypercholesterolaemia. Last evaluated: 2026-01-07. Review status: criteria provided, single submitter. Criteria: ACGS Best Practice Guidelines for Variant Classification in Rare Disease 2024 v1.2. Collection method: clinical testing. Allele origin: germline. Affected: yes.
Comment: PM2_moderate, PM1_moderate